The following is an entry in ClinVar:

NC_000004.12:g.(?_5568434)_(5568650_?)del

Gene: EVC2 (EvC ciliary complex subunit 2; minus strand). Cytogenetic location: 4p16.2.
Variant type: Deletion.
Identifiers: ClinVar variation 830445 (VCV000830445.4).

ClinVar aggregate classification (germline): Pathogenic (1 of 4 stars; one submission).

Conditions:
Curry-Hall syndrome (WAD). Also called: WEYERS ACRODENTAL DYSOSTOSIS. Identifiers: Orphanet 952, MedGen C0457013, MONDO:0008673, OMIM 193530.
Ellis-van Creveld syndrome (EVC). Also called: EVC-Related Ellis-van Creveld Syndrome; EVC2-Related Ellis-van Creveld Syndrome; MESOECTODERMAL DYSPLASIA; Chondroectodermal dysplasia. Identifiers: Orphanet 289, MedGen C0013903, MONDO:0009162, OMIM 225500.

Submission:

Labcorp Genetics (formerly Invitae), Labcorp
Classification: Pathogenic for Curry-Hall syndrome; Ellis-van Creveld syndrome. Last evaluated: 2019-07-05. Review status: criteria provided, single submitter. Criteria: Invitae Variant Classification Sherloc (09022015). Collection method: clinical testing. Allele origin: germline.
Comment: For these reasons, this variant has been classified as Pathogenic. Loss-of-function variants in EVC2 are known to be pathogenic (PMID: 17024374, 19810119, 19876929). This variant has not been reported in the literature in individuals with EVC2-related conditions. This variant is an out-of-frame deletion of the genomic region encompassing exon 20 of the EVC2 gene. This is expected to create a premature translational stop signal and result in an absent or disrupted protein product.

Literature cited by the submitters: PubMed 17024374; PubMed 19810119; PubMed 19876929.